The following is an entry in ClinVar:

NM_006206.6(PDGFRA):c.613G>A (p.Val205Ile)

Gene: PDGFRA (platelet derived growth factor receptor alpha; plus strand). Cytogenetic location: 4q12.
Variant type: single nucleotide variant.
Coding change: c.613G>A on transcript NM_006206.6 (MANE Select); coding-DNA position 613, G replaced by A.
Protein change: p.Val205Ile; replaces valine 205 with isoleucine.
Molecular consequence: missense variant.
Genome position (GRCh38, 1-based): chr4:54,263,912, G>A. VCF-style: chr4-54263912-G-A. GRCh37 (hg19) VCF-style: chr4-55130079-G-A.
Other names: c.613G>A (NM_006206.5); c.613G>A, p.Val205Ile (NM_001347827.2, NM_001347829.2); c.688G>A, p.Val230Ile (NM_001347828.2); c.652G>A, p.Val218Ile (NM_001347830.2); short protein forms V218I, V205I, V230I.
Identifiers: ClinVar variation 826200 (VCV000826200.18), dbSNP rs775304724, ClinGen allele CA2922319.

ClinVar aggregate classification (germline): Conflicting classifications of pathogenicity. Review status: criteria provided, conflicting classifications (1 of 4 stars). 6 submissions from 6 submitters: Uncertain significance (4); Likely benign (2). Last evaluated 2026-08-11.

Conditions:
Polyps, multiple and recurrent inflammatory fibroid, gastrointestinal. Identifiers: MedGen C5193005, MONDO:0008285, OMIM 175510.
Hereditary cancer-predisposing syndrome. Also called: Neoplastic Syndromes, Hereditary; Hereditary Cancer Syndrome; Tumor predisposition; Hereditary neoplastic syndrome. Identifiers: Orphanet 140162, MedGen C0027672, MeSH D009386, MONDO:0015356.
Gastrointestinal stromal tumor. Also called: Gastrointestinal stroma tumor; Gastrointestinal stromal tumor, somatic. Identifiers: Orphanet 44890, MedGen C0238198, MeSH D046152, MONDO:0011719, OMIM 606764, HP:0100723.
PDGFRA-related disorder. Also called: PDGFRA-related condition.

Allele frequency attached by ClinVar (database versions not stated): ExAC 0.00001; gnomAD 0.00001; gnomAD exomes 0.00002; TOPMed 0.00003.

Submissions (6):

PreventionGenetics, part of Exact Sciences
Classification: Uncertain significance for PDGFRA-related condition. Last evaluated: 2026-08-11. Review status: criteria provided, single submitter. Criteria: ACMG Guidelines, 2015. Collection method: clinical testing. Allele origin: germline.
Comment: The PDGFRA c.613G>A variant is predicted to result in the amino acid substitution p.Val205Ile. To our knowledge, this variant has not been reported in the literature. This variant is reported in 0.0054% of alleles in individuals of East Asian descent in gnomAD and has conflicting interpretations of likely benign and uncertain significance in ClinVar (Variation ID: 826200). At this time, the clinical significance of this variant is uncertain due to the absence of conclusive functional and genetic evidence.

Myriad Genetics, Inc.
Classification: Likely benign for Polyps, multiple and recurrent inflammatory fibroid, gastrointestinal. Last evaluated: 2026-06-12. Review status: criteria provided, single submitter. Criteria: Myriad Autosomal Dominant, Autosomal Recessive and X-Linked Classification Criteria (2023). Collection method: clinical testing. Allele origin: unknown.
Comment: This variant is considered likely benign. This variant has been observed at a population frequency that is significantly greater than expected given the associated disease prevalence and penetrance.

Labcorp Genetics (formerly Invitae), Labcorp
Classification: Uncertain significance for Gastrointestinal stromal tumor. Last evaluated: 2024-03-20. Review status: criteria provided, single submitter. Criteria: Invitae Variant Classification Sherloc (09022015). Collection method: clinical testing. Allele origin: germline.
Comment: This sequence change replaces valine, which is neutral and non-polar, with isoleucine, which is neutral and non-polar, at codon 205 of the PDGFRA protein (p.Val205Ile). This variant is present in population databases (rs775304724, gnomAD 0.006%). This variant has not been reported in the literature in individuals affected with PDGFRA-related conditions. ClinVar contains an entry for this variant (Variation ID: 826200). Advanced modeling of protein sequence and biophysical properties (such as structural, functional, and spatial information, amino acid conservation, physicochemical variation, residue mobility, and thermodynamic stability) performed at Invitae indicates that this missense variant is not expected to disrupt PDGFRA protein function with a negative predictive value of 80%. In summary, the available evidence is currently insufficient to determine the role of this variant in disease. Therefore, it has been classified as a Variant of Uncertain Significance.

GeneDx
Classification: Uncertain significance. Last evaluated: 2023-10-25. Review status: criteria provided, single submitter. Criteria: GeneDx Variant Classification Process June 2021. Collection method: clinical testing. Allele origin: germline. Affected: yes.
Comment: Has not been previously published as pathogenic or benign to our knowledge; In silico analysis supports that this missense variant does not alter protein structure/function

Sema4
Classification: Uncertain significance for Hereditary cancer-predisposing syndrome. Last evaluated: 2021-06-01. Review status: criteria provided, single submitter. Criteria: Sema4 Curation Guidelines. Collection method: curation. Allele origin: germline.
Comment: The PDGFRA c.613G>A (p.V205I) variant has not been reported in the literature to our knowledge. It was observed in 1/18372 chromosomes of the East Asian subpopulation in the large and broad cohorts of the Genome Aggregation Database (PMID: 32461654) and has been reported in ClinVar (Variation ID 826200). In silico tools suggest the impact of the variant on protein function is benign, though these predictions have not been confirmed by functional studies. The evidence is insufficient to meet ACMG/AMP criteria for classifying the variant as benign or pathogenic. Thus, the clinical significance of this variant is currently uncertain.

Ambry Genetics
Classification: Likely benign for Hereditary cancer-predisposing syndrome. Last evaluated: 2019-12-04. Review status: criteria provided, single submitter. Criteria: Ambry Variant Classification Scheme 2023. Collection method: clinical testing. Allele origin: germline.